The following is an entry in ClinVar:

NM_020831.6(MRTFA):c.2588C>T (p.Ala863Val)

Gene: MRTFA (myocardin related transcription factor A; minus strand). Cytogenetic location: 22q13.1.
Variant type: single nucleotide variant.
Coding change: c.2588C>T on transcript NM_020831.6 (MANE Select); coding-DNA position 2588, C replaced by T.
Protein change: p.Ala863Val; replaces alanine 863 with valine.
Molecular consequence: missense variant. On other transcripts: synonymous variant (1).
Genome position (GRCh38, 1-based): chr22:40,411,898, G>A on the plus strand (C>T on the coding strand, the complement: MRTFA is on the minus strand). VCF-style: chr22-40411898-G-A. GRCh37 (hg19) VCF-style: chr22-40807902-G-A.
Other names: c.2288C>T, p.Ala763Val (NM_001282660.2); c.2438C>T, p.Ala813Val (NM_001282661.3); c.2598C>T, p.Ser866= (NM_001282662.3); c.2393C>T, p.Ala798Val (NM_001318139.2); c.2288C>T (NM_020831.3); short protein forms A763V, A798V, A813V, A863V.
Identifiers: ClinVar variation 1682938 (VCV001682938.7), dbSNP rs200338788, ClinGen allele CA10249259.

ClinVar aggregate classification (germline): Uncertain significance. Review status: criteria provided, multiple submitters, no conflicts (2 of 4 stars). 2 submissions from 2 submitters: Uncertain significance (2). Last evaluated 2024-10-21.

Allele frequency attached by ClinVar (database versions not stated): gnomAD exomes 0.00006 and 0.00011; ExAC 0.00007; gnomAD 0.00008; TOPMed 0.00010; 1000 Genomes Project 30x 0.00016; 1000 Genomes Project 0.00020.
gnomAD v4.1: 174 of 1,477,452 alleles (0.012%); highest among the groups gnomAD compares: Non-Finnish European, 0.0078%; no homozygotes.

Submissions (2):

Labcorp Genetics (formerly Invitae), Labcorp
Classification: Uncertain significance. Last evaluated: 2024-10-21. Review status: criteria provided, single submitter. Criteria: Invitae Variant Classification Sherloc (09022015). Collection method: clinical testing. Allele origin: germline.
Comment: This sequence change replaces alanine, which is neutral and non-polar, with valine, which is neutral and non-polar, at codon 763 of the MKL1 protein (p.Ala763Val). This variant is present in population databases (rs200338788, gnomAD 0.1%). This variant has not been reported in the literature in individuals affected with MKL1-related conditions. ClinVar contains an entry for this variant (Variation ID: 1682938). An algorithm developed to predict the effect of missense changes on protein structure and function (PolyPhen-2) suggests that this variant is likely to be disruptive. In summary, the available evidence is currently insufficient to determine the role of this variant in disease. Therefore, it has been classified as a Variant of Uncertain Significance.

Ambry Genetics
Classification: Uncertain significance. Last evaluated: 2021-10-18. Review status: criteria provided, single submitter. Criteria: Ambry Variant Classification Scheme 2023. Collection method: clinical testing. Allele origin: germline.